The following is an entry in ClinVar:

ClinVar aggregate classification (germline): Conflicting classifications of pathogenicity. Review status: criteria provided, conflicting classifications (1 of 4 stars). 3 submissions from 3 submitters: Uncertain significance (1); Benign (1). 1 of the submissions does not count toward it. Last evaluated 2025-06-22.

Conditions:
Thrombophilia due to protein S deficiency, autosomal recessive (THPH6). Identifiers: Orphanet 743, MedGen C3281092, MONDO:0013791, OMIM 614514. Disease mechanism: loss of function.
Thrombophilia due to protein S deficiency, autosomal dominant (THPH5). Identifiers: Orphanet 26349, Orphanet 743, MedGen C3278211, MONDO:0012868, OMIM 612336. Disease mechanism: loss of function.

Allele frequency attached by ClinVar (database versions not stated): TOPMed 0.00025; ESP Exome Variant Server 0.00046; gnomAD exomes 0.00076 and 0.00152; 1000 Genomes Project 30x 0.00109; gnomAD 0.00118; 1000 Genomes Project 0.00140; ExAC 0.00170.
gnomAD v4.1: 1,289 of 1,612,214 alleles (0.08%); highest among the groups gnomAD compares: Non-Finnish European, 0.039%; 2 homozygotes.

Submissions (3):

Labcorp Genetics (formerly Invitae), Labcorp
Classification: Benign for Thrombophilia due to protein S deficiency, autosomal recessive. Last evaluated: 2025-06-22. Review status: criteria provided, single submitter. Criteria: Invitae Variant Classification Sherloc (09022015). Collection method: clinical testing. Allele origin: germline.

Center for Pediatric Genomic Medicine, Children's Mercy Hospital and Clinics
Classification: Uncertain significance. Last evaluated: 2017-03-20. Review status: criteria provided, single submitter. Criteria: ACMG Guidelines, 2015. Collection method: clinical testing. Allele origin: germline.

Department of Transfusion Medicine and Hemostaseology, University Hospital Erlangen
Classification: Uncertain significance for Thrombophilia due to protein S deficiency, autosomal dominant. Last evaluated: 2025-09-01. Review status: no assertion criteria provided. Collection method: clinical testing. Allele origin: germline. Not counted in ClinVar's aggregate classification.
Comment: This variant was identified during a screening of patients with suspected hereditary Protein S deficiency. Currently, no literature is available describing this variant and according to dbSNP it represents a very rare genetic alteration, previously detected in the European population in heterozygous state only according to the Allele Frequency Aggregator dataset. While SpliceAI and CAPICE classify this variant as likely benign, it is classified as likely pathogenic by varSEAK. Taken together, we classified this variant as of uncertain significance.

NM_000313.4(PROS1):c.234+5G>A

Gene: PROS1 (protein S; minus strand). Cytogenetic location: 3q11.1.
Variant type: single nucleotide variant.
Coding change: c.234+5G>A on transcript NM_000313.4 (MANE Select); 5 bases into the intron after coding-DNA position 234, G replaced by A.
Molecular consequence: intron variant.
Genome position (GRCh38, 1-based): chr3:93,927,245, C>T on the plus strand (G>A on the coding strand, the complement: PROS1 is on the minus strand). VCF-style: chr3-93927245-C-T. GRCh37 (hg19) VCF-style: chr3-93646089-C-T.
Other names: c.330+5G>A (NM_001314077.2).
Identifiers: ClinVar variation 446084 (VCV000446084.13), dbSNP rs187264712, ClinGen allele CA2503569.
Genomic context (GRCh38, chr3:93,927,245, plus strand): 5'-GGAAATGTTCAGTCTGTAGTTGTATGTCTAGATGTGTGAACTTGATAGTTTCCATAAATG[C>T]TTACCGTTTCCGGGTCATTTTCAAAGACCTCCCTGGCTTCTTCTTTATTGCACAGTTCTT-3'